The following is an entry in ClinVar:

ClinVar aggregate classification (germline): Likely benign (1 of 4 stars; one submission).

Allele frequency attached by ClinVar (database versions not stated): 1000 Genomes Project 0.00100; ExAC 0.00115; gnomAD 0.00119; 1000 Genomes Project 30x 0.00125; ESP Exome Variant Server 0.00146; TOPMed 0.00147.
gnomAD v4.1: 3,453 of 1,613,750 alleles (0.21%); highest among the groups gnomAD compares: Non-Finnish European, 0.27%; 6 homozygotes.

Submission:

CeGaT Center for Human Genetics Tuebingen
Classification: Likely benign. Last evaluated: 2023-08-01. Review status: criteria provided, single submitter. Criteria: CeGaT Center For Human Genetics Tuebingen Variant Classification Criteria Version 2. Collection method: clinical testing. Allele origin: germline. Affected: yes. Observed: 3 variant alleles.
Comment: QRICH1: BP4, BP7

NM_198880.3(QRICH1):c.2076G>A (p.Thr692=)

Gene: QRICH1 (glutamine rich 1; minus strand). Cytogenetic location: 3p21.31.
Variant type: single nucleotide variant.
Coding change: c.2076G>A on transcript NM_198880.3 (MANE Select); coding-DNA position 2076, G replaced by A.
Protein change: p.Thr692=; no amino-acid change (threonine 692 retained).
Molecular consequence: synonymous variant.
Genome position (GRCh38, 1-based): chr3:49,032,245, C>T on the plus strand (G>A on the coding strand, the complement: QRICH1 is on the minus strand). VCF-style: chr3-49032245-C-T. GRCh37 (hg19) VCF-style: chr3-49069678-C-T.
Other names: c.2076G>A, p.Thr692= (NM_001320580.2, NM_001320581.2, NM_001320582.2 and 4 more transcripts).
Identifiers: ClinVar variation 2653818 (VCV002653818.24), dbSNP rs76812435, ClinGen allele CA2391005.